The following is an entry in ClinVar:

NM_002299.4(LCT):c.5486A>G (p.Lys1829Arg)

Gene: LCT (lactase; minus strand). Cytogenetic location: 2q21.3.
Variant type: single nucleotide variant.
Coding change: c.5486A>G on transcript NM_002299.4 (MANE Select); coding-DNA position 5486, A replaced by G.
Protein change: p.Lys1829Arg; replaces lysine 1829 with arginine.
Molecular consequence: missense variant.
Genome position (GRCh38, 1-based): chr2:135,789,648, T>C on the plus strand (A>G on the coding strand, the complement: LCT is on the minus strand). VCF-style: chr2-135789648-T-C. GRCh37 (hg19) VCF-style: chr2-136547218-T-C.
Other names: short protein forms K1829R.
Identifiers: ClinVar variation 1416790 (VCV001416790.5), dbSNP rs754522191, ClinGen allele CA1887608.

ClinVar aggregate classification (germline): Uncertain significance (1 of 4 stars; one submission).

Allele frequency attached by ClinVar (database versions not stated): gnomAD 0.00001; TOPMed 0.00001; gnomAD exomes 0.00002 and 0.00004; ExAC 0.00003.
gnomAD v4.1: 11 of 1,614,070 alleles (0.00068%); highest among the groups gnomAD compares: Admixed American, 0.018%; no homozygotes.

Submission:

Labcorp Genetics (formerly Invitae), Labcorp
Classification: Uncertain significance. Last evaluated: 2024-10-22. Review status: criteria provided, single submitter. Criteria: Invitae Variant Classification Sherloc (09022015). Collection method: clinical testing. Allele origin: germline.
Comment: This sequence change replaces lysine, which is basic and polar, with arginine, which is basic and polar, at codon 1829 of the LCT protein (p.Lys1829Arg). This variant is present in population databases (rs754522191, gnomAD 0.03%). This variant has not been reported in the literature in individuals affected with LCT-related conditions. ClinVar contains an entry for this variant (Variation ID: 1416790). Invitae Evidence Modeling of protein sequence and biophysical properties (such as structural, functional, and spatial information, amino acid conservation, physicochemical variation, residue mobility, and thermodynamic stability) indicates that this missense variant is not expected to disrupt LCT protein function with a negative predictive value of 80%. In summary, the available evidence is currently insufficient to determine the role of this variant in disease. Therefore, it has been classified as a Variant of Uncertain Significance.